The following is an entry in ClinVar:

ClinVar aggregate classification (germline): Uncertain significance. Review status: criteria provided, multiple submitters, no conflicts (2 of 4 stars). 2 submissions from 2 submitters: Uncertain significance (2). Last evaluated 2022-11-28.

Conditions:
Gorlin syndrome. Also called: Nevoid Basal Cell Carcinoma Syndrome; Basal cell nevus syndrome. Identifiers: Orphanet 377, MedGen C0004779, MONDO:0007187.
Hereditary cancer-predisposing syndrome. Also called: Hereditary neoplastic syndrome; Tumor predisposition; Neoplastic Syndromes, Hereditary; Hereditary Cancer Syndrome. Identifiers: Orphanet 140162, MedGen C0027672, MeSH D009386, MONDO:0015356.

Submissions (2):

Labcorp Genetics (formerly Invitae), Labcorp
Classification: Uncertain significance for Gorlin syndrome. Last evaluated: 2022-11-28. Review status: criteria provided, single submitter. Criteria: Invitae Variant Classification Sherloc (09022015). Collection method: clinical testing. Allele origin: germline.
Comment: This sequence change replaces histidine, which is basic and polar, with asparagine, which is neutral and polar, at codon 673 of the PTCH1 protein (p.His673Asn). This variant is not present in population databases (gnomAD no frequency). This variant has not been reported in the literature in individuals affected with PTCH1-related conditions. Advanced modeling of protein sequence and biophysical properties (such as structural, functional, and spatial information, amino acid conservation, physicochemical variation, residue mobility, and thermodynamic stability) performed at Invitae indicates that this missense variant is not expected to disrupt PTCH1 protein function. In summary, the available evidence is currently insufficient to determine the role of this variant in disease. Therefore, it has been classified as a Variant of Uncertain Significance.

Ambry Genetics
Classification: Uncertain significance for Hereditary cancer-predisposing syndrome. Last evaluated: 2022-11-10. Review status: criteria provided, single submitter. Criteria: Ambry Variant Classification Scheme 2023. Collection method: clinical testing. Allele origin: germline.
Comment: The p.H673N variant (also known as c.2017C>A), located in coding exon 14 of the PTCH1 gene, results from a C to A substitution at nucleotide position 2017. The histidine at codon 673 is replaced by asparagine, an amino acid with similar properties. This amino acid position is conserved. In addition, the in silico prediction for this alteration is inconclusive. Since supporting evidence is limited at this time, the clinical significance of this alteration remains unclear.

NM_000264.5(PTCH1):c.2017C>A (p.His673Asn)

Genes: PTCH1 (patched 1; minus strand), LOC100507346 (uncharacterized LOC100507346; plus strand). Cytogenetic location: 9q22.32.
Variant type: single nucleotide variant.
Coding change: c.2017C>A on transcript NM_000264.5 (MANE Select); coding-DNA position 2017, C replaced by A.
Protein change: p.His673Asn; replaces histidine 673 with asparagine.
Molecular consequence: missense variant. On other transcripts: non-coding transcript variant (2).
Genome position (GRCh38, 1-based): chr9:95,468,984, G>T on the plus strand (C>A on the coding strand, the complement: PTCH1 is on the minus strand). VCF-style: chr9-95468984-G-T. GRCh37 (hg19) VCF-style: chr9-98231266-G-T.
Other names: c.1819C>A, p.His607Asn (NM_001083602.3); c.2014C>A, p.His672Asn (NM_001083603.3); c.1564C>A, p.His522Asn (NM_001083604.3, NM_001083605.3, NM_001083606.3 and 1 more transcripts); c.1861C>A, p.His621Asn (NM_001354918.2); short protein forms H522N, H621N, H607N, H673N, H672N.
Identifiers: ClinVar variation 2449624 (VCV002449624.5), dbSNP rs1184226425, ClinGen allele CA374115832.